The following is an entry in ClinVar:

ClinVar aggregate classification (germline): Pathogenic/Likely pathogenic. Review status: criteria provided, multiple submitters, no conflicts (2 of 4 stars). 5 submissions from 5 submitters: Pathogenic (2); Likely pathogenic (1). 2 of the submissions do not count toward it. Last evaluated 2018-10-31.

Conditions:
Au-Kline syndrome. Also called: Okamoto syndrome; Neurodevelopmental disorder-craniofacial dysmorphism-cardiac defect-hip dysplasia syndrome due to a point mutation. Identifiers: Orphanet 2729, Orphanet 453499, Orphanet 453504, MedGen C4225274, MONDO:0014700, OMIM 616580.

Submissions (5):

Fulgent Genetics
Classification: Likely pathogenic for Au-Kline syndrome. Last evaluated: 2018-10-31. Review status: criteria provided, single submitter. Criteria: ACMG Guidelines, 2015. Collection method: clinical testing. Allele origin: unknown.

Clinical Genetics Research Group, University of Calgary
Classification: Pathogenic for AU-KLINE SYNDROME. Last evaluated: 2018-01-07. Review status: criteria provided, single submitter. Criteria: ACMG Guidelines, 2015. Collection method: research. Allele origin: de novo. Affected: yes. Observed: 1 variant allele.

Baylor-Hopkins Center for Mendelian Genomics, Johns Hopkins University School of Medicine
Classification: Pathogenic for Au-Kline syndrome. Review status: criteria provided, single submitter. Criteria: Submitter's publication. Collection method: research. Allele origin: de novo. Affected: yes. Observed: 1 heterozygote.

OMIM
Classification: Pathogenic for AU-KLINE SYNDROME. Last evaluated: 2015-10-01. Review status: no assertion criteria provided. Collection method: literature only. Allele origin: germline. Not counted in ClinVar's aggregate classification.

GeneReviews
No classification provided. Condition: Au-Kline syndrome. Review status: no classification provided. Collection method: literature only. Allele origin: germline. Not counted in ClinVar's aggregate classification.
Comment: This variant is predicted to result in a missense variant (p.Arg86His) but has been shown to cause a splicing defect and decreased protein production.

Literature cited by the submitters: PubMed 26220823 (cited by Clinical Genetics Research Group, University of Calgary); PubMed 26173930 (cited by OMIM and GeneReviews); PubMed 30998304 (cited by GeneReviews).

NM_031263.4(HNRNPK):c.257G>A (p.Arg86His)

Genes: HNRNPK-AS1 (HNRNPK antisense RNA 1; plus strand), HNRNPK (heterogeneous nuclear ribonucleoprotein K; minus strand). Cytogenetic location: 9q21.32.
Variant type: single nucleotide variant.
Coding change: c.257G>A on transcript NM_031263.4 (MANE Select); coding-DNA position 257, G replaced by A.
Protein change: p.Arg86His; replaces arginine 86 with histidine.
Molecular consequence: missense variant.
Genome position (GRCh38, 1-based): chr9:83,975,462, C>T on the plus strand (G>A on the coding strand, the complement: HNRNPK is on the minus strand). VCF-style: chr9-83975462-C-T. GRCh37 (hg19) VCF-style: chr9-86590377-C-T.
Other names: c.257G>A, p.Arg86His (NM_001318186.2, NM_001318187.2, NM_001318188.2 and 2 more transcripts); short protein forms R86H.
Identifiers: ClinVar variation 212776 (VCV000212776.5), dbSNP rs863223403, ClinGen allele CA278924.
Genomic context (GRCh38, chr9:83,975,462, plus strand): 5'-TAATAAAATACATTTCTCTCTTTCTAATCAGGCAGTGAGGCATAAACTGTTGGGACATAC[C>T]GCTCGGGGCCACTGCTGTCTGGGACTGAAACACTGGCATTGTACTGCATTGGTCATTGGC-3'
Protein context (NP_112553.1, residues 76-96): VSVPDSSGPE[Arg86His]ILSISADIET